The following is an entry in ClinVar:

ClinVar aggregate classification (germline): Uncertain significance (1 of 4 stars; one submission).

Allele frequency attached by ClinVar (database versions not stated): gnomAD 0.00001; gnomAD exomes 0.00001 and 0.00002; TOPMed 0.00001.
gnomAD v4.1: 9 of 1,610,584 alleles (0.00056%); highest among the groups gnomAD compares: Admixed American, 0.012%; no homozygotes.

Submission:

Labcorp Genetics (formerly Invitae), Labcorp
Classification: Uncertain significance. Last evaluated: 2021-09-17. Review status: criteria provided, single submitter. Criteria: Invitae Variant Classification Sherloc (09022015). Collection method: clinical testing. Allele origin: germline.
Comment: This sequence change replaces alanine with valine at codon 576 of the RGS9 protein (p.Ala576Val). The alanine residue is moderately conserved and there is a small physicochemical difference between alanine and valine. This variant is not present in population databases (ExAC no frequency). This variant has not been reported in the literature in individuals affected with RGS9-related conditions. Algorithms developed to predict the effect of missense changes on protein structure and function are either unavailable or do not agree on the potential impact of this missense change (SIFT: "Deleterious"; PolyPhen-2: "Benign"; Align-GVGD: "Class C0"). Algorithms developed to predict the effect of sequence changes on RNA splicing suggest that this variant may create or strengthen a splice site. In summary, the available evidence is currently insufficient to determine the role of this variant in disease. Therefore, it has been classified as a Variant of Uncertain Significance.

NM_003835.4(RGS9):c.1727C>T (p.Ala576Val)

Gene: RGS9 (regulator of G protein signaling 9; plus strand). Cytogenetic location: 17q24.1.
Variant type: single nucleotide variant.
Coding change: c.1727C>T on transcript NM_003835.4 (MANE Select); coding-DNA position 1727, C replaced by T.
Protein change: p.Ala576Val; replaces alanine 576 with valine.
Molecular consequence: missense variant.
Genome position (GRCh38, 1-based): chr17:65,225,321, C>T. VCF-style: chr17-65225321-C-T. GRCh37 (hg19) VCF-style: chr17-63221439-C-T.
Other names: c.1718C>T, p.Ala573Val (NM_001081955.3); short protein forms A576V, A573V.
Identifiers: ClinVar variation 1369835 (VCV001369835.5), dbSNP rs1025088140, ClinGen allele CA293084365.